The following is an entry in ClinVar:

ClinVar aggregate classification (germline): Uncertain significance (1 of 4 stars; one submission).

Conditions:
Hereditary cancer-predisposing syndrome. Also called: Neoplastic Syndromes, Hereditary; Tumor predisposition; Hereditary Cancer Syndrome; Hereditary neoplastic syndrome. Identifiers: Orphanet 140162, MedGen C0027672, MeSH D009386, MONDO:0015356.

Submission:

Ambry Genetics
Classification: Uncertain significance for Hereditary cancer-predisposing syndrome. Last evaluated: 2024-12-07. Review status: criteria provided, single submitter. Criteria: Ambry Variant Classification Scheme 2023. Collection method: clinical testing. Allele origin: germline.
Comment: The p.T346I variant (also known as c.1037C>T), located in coding exon 9 of the POT1 gene, results from a C to T substitution at nucleotide position 1037. The threonine at codon 346 is replaced by isoleucine, an amino acid with similar properties. This amino acid position is conserved. In addition, this alteration is predicted to be deleterious by in silico analysis. Based on the available evidence, the clinical significance of this variant remains unclear.

NM_015450.3(POT1):c.1037C>T (p.Thr346Ile)

Gene: POT1 (protection of telomeres 1; minus strand). Cytogenetic location: 7q31.33.
Variant type: single nucleotide variant.
Coding change: c.1037C>T on transcript NM_015450.3 (MANE Select); coding-DNA position 1037, C replaced by T.
Protein change: p.Thr346Ile; replaces threonine 346 with isoleucine.
Molecular consequence: missense variant. On other transcripts: non-coding transcript variant (3).
Genome position (GRCh38, 1-based): chr7:124,842,933, G>A on the plus strand (C>T on the coding strand, the complement: POT1 is on the minus strand). VCF-style: chr7-124842933-G-A. GRCh37 (hg19) VCF-style: chr7-124482987-G-A.
Other names: c.644C>T, p.Thr215Ile (NM_001042594.2); short protein forms T215I, T346I.
Identifiers: ClinVar variation 3423158 (VCV003423158.1).